The following is an entry in ClinVar:

NM_020937.4(FANCM):c.6019G>A (p.Glu2007Lys)

Gene: FANCM (FA complementation group M; plus strand). Cytogenetic location: 14q21.2.
Variant type: single nucleotide variant.
Coding change: c.6019G>A on transcript NM_020937.4 (MANE Select); coding-DNA position 6019, G replaced by A.
Protein change: p.Glu2007Lys; replaces glutamic acid 2007 with lysine.
Molecular consequence: missense variant.
Genome position (GRCh38, 1-based): chr14:45,199,880, G>A. VCF-style: chr14-45199880-G-A. GRCh37 (hg19) VCF-style: chr14-45669083-G-A.
Other names: c.5941G>A, p.Glu1981Lys (NM_001308133.2); short protein forms E1981K, E2007K.
Identifiers: ClinVar variation 1007642 (VCV001007642.11), dbSNP rs1890266228, ClinGen allele CA389587979.

ClinVar aggregate classification (germline): Uncertain significance. Review status: criteria provided, multiple submitters, no conflicts (2 of 4 stars). 3 submissions from 3 submitters: Uncertain significance (3). Last evaluated 2025-08-19.

Conditions:
Inborn genetic diseases. Identifiers: MedGen C0950123, MeSH D030342.
Fanconi anemia (FA). Also called: Fanconi's anemia. Identifiers: Orphanet 84, MedGen C0015625, MeSH D005199, MONDO:0019391.

Allele frequency attached by ClinVar (database versions not stated): gnomAD exomes below 0.00001.

Submissions (3):

Ambry Genetics
Classification: Uncertain significance for Inborn genetic diseases. Last evaluated: 2025-08-19. Review status: criteria provided, single submitter. Criteria: Ambry Variant Classification Scheme 2023. Collection method: clinical testing. Allele origin: germline.
Comment: The p.E2007K variant (also known as c.6019G>A), located in coding exon 23 of the FANCM gene, results from a G to A substitution at nucleotide position 6019. The glutamic acid at codon 2007 is replaced by lysine, an amino acid with similar properties. This amino acid position is conserved. In addition, this alteration is predicted to be tolerated by in silico analysis. Based on the available evidence, the clinical significance of this variant remains unclear.

Labcorp Genetics (formerly Invitae), Labcorp
Classification: Uncertain significance for Fanconi anemia. Last evaluated: 2022-04-24. Review status: criteria provided, single submitter. Criteria: Invitae Variant Classification Sherloc (09022015). Collection method: clinical testing. Allele origin: germline.
Comment: This sequence change replaces glutamic acid, which is acidic and polar, with lysine, which is basic and polar, at codon 2007 of the FANCM protein (p.Glu2007Lys). This variant is not present in population databases (gnomAD no frequency). This variant has not been reported in the literature in individuals affected with FANCM-related conditions. ClinVar contains an entry for this variant (Variation ID: 1007642). Algorithms developed to predict the effect of missense changes on protein structure and function are either unavailable or do not agree on the potential impact of this missense change (SIFT: "Tolerated"; PolyPhen-2: "Possibly Damaging"; Align-GVGD: "Class C0"). In summary, the available evidence is currently insufficient to determine the role of this variant in disease. Therefore, it has been classified as a Variant of Uncertain Significance.

GeneDx
Classification: Uncertain significance. Last evaluated: 2021-03-24. Review status: criteria provided, single submitter. Criteria: GeneDx Variant Classification Process June 2021. Collection method: clinical testing. Allele origin: germline. Affected: yes.
Comment: Not observed in large population cohorts (Lek 2016); In silico analysis supports that this missense variant does not alter protein structure/function; Has not been previously published as pathogenic or benign to our knowledge